The following is an entry in ClinVar:

NM_000063.6(C2):c.1811-3T>C

Gene: C2 (complement C2; plus strand). Cytogenetic location: 6p21.33.
Variant type: single nucleotide variant.
Coding change: c.1811-3T>C on transcript NM_000063.6 (MANE Select); 3 bases into the intron before coding-DNA position 1811, T replaced by C.
Molecular consequence: intron variant.
Genome position (GRCh38, 1-based): chr6:31,944,132, T>C. VCF-style: chr6-31944132-T-C. GRCh37 (hg19) VCF-style: chr6-31911909-T-C.
Other names: c.1073-3T>C (NM_001282457.2); c.1169-3T>C (NM_001178063.3); c.1724-3T>C (NM_001282458.2); c.1415-3T>C (NM_001145903.3).
Identifiers: ClinVar variation 1420496 (VCV001420496.4), dbSNP rs755869741, ClinGen allele CA3727804.

ClinVar aggregate classification (germline): Uncertain significance (1 of 4 stars; one submission).

Allele frequency attached by ClinVar (database versions not stated): gnomAD exomes 0.00003 and 0.00011; ExAC 0.00010; gnomAD 0.00024 and 0.00026; TOPMed 0.00035.
gnomAD v4.1: 81 of 1,608,072 alleles (0.005%); highest among the groups gnomAD compares: African/African-American, 0.086%; no homozygotes.

Submission:

Labcorp Genetics (formerly Invitae), Labcorp
Classification: Uncertain significance. Last evaluated: 2025-01-13. Review status: criteria provided, single submitter. Criteria: Invitae Variant Classification Sherloc (09022015). Collection method: clinical testing. Allele origin: germline.
Comment: This sequence change falls in intron 14 of the C2 gene. It does not directly change the encoded amino acid sequence of the C2 protein. It affects a nucleotide within the consensus splice site. This variant is present in population databases (rs755869741, gnomAD 0.1%). This variant has not been reported in the literature in individuals affected with C2-related conditions. ClinVar contains an entry for this variant (Variation ID: 1420496). Variants that disrupt the consensus splice site are a relatively common cause of aberrant splicing (PMID: 17576681, 9536098). Algorithms developed to predict the effect of sequence changes on RNA splicing suggest that this variant is not likely to affect RNA splicing. In summary, the available evidence is currently insufficient to determine the role of this variant in disease. Therefore, it has been classified as a Variant of Uncertain Significance.

Literature cited by the submitters: PubMed 17576681; PubMed 9536098.